The following is an entry in ClinVar:

NM_016343.4(CENPF):c.1159C>G (p.Gln387Glu)

Gene: CENPF (centromere protein F; plus strand). Cytogenetic location: 1q41.
Variant type: single nucleotide variant.
Coding change: c.1159C>G on transcript NM_016343.4 (MANE Select); coding-DNA position 1159, C replaced by G.
Protein change: p.Gln387Glu; replaces glutamine 387 with glutamic acid.
Molecular consequence: missense variant.
Genome position (GRCh38, 1-based): chr1:214,629,136, C>G. VCF-style: chr1-214629136-C-G. GRCh37 (hg19) VCF-style: chr1-214802479-C-G.
Other names: short protein forms Q387E.
Identifiers: ClinVar variation 1219110 (VCV001219110.11), dbSNP rs202217426, ClinGen allele CA1389951.

ClinVar aggregate classification (germline): Uncertain significance. Review status: criteria provided, multiple submitters, no conflicts (2 of 4 stars). 5 submissions from 5 submitters: Uncertain significance (5). Last evaluated 2026-01-28.

Conditions:
CENPF-related disorder. Also called: CENPF-related condition.

Allele frequency attached by ClinVar (database versions not stated): gnomAD 0.00019; TOPMed 0.00024; ExAC 0.00039.
gnomAD v4.1: 401 of 1,607,802 alleles (0.025%); highest among the groups gnomAD compares: Middle Eastern, 0.12%; no homozygotes.

Submissions (5):

Women's Health and Genetics/Laboratory Corporation of America, LabCorp
Classification: Uncertain significance. Last evaluated: 2026-01-28. Review status: criteria provided, single submitter. Criteria: LabCorp Variant Classification Summary - May 2015. Collection method: clinical testing. Allele origin: germline.
Comment: Variant summary: CENPF c.1159C>G (p.Gln387Glu) results in a conservative amino acid change in the encoded protein sequence. Algorithms developed to predict the effect of missense changes on protein structure and function are either unavailable or do not agree on the potential impact of this missense change. The variant allele was found at a frequency of 0.00035 in 245024 control chromosomes. This frequency is not significantly higher than estimated for disease-causing variants in CENPF, allowing no conclusion about variant significance. To our knowledge, no occurrence of c.1159C>G in individuals affected with CENPF-related conditions and no experimental evidence demonstrating its impact on protein function have been reported. ClinVar contains an entry for this variant (Variation ID: 1219110). Based on the evidence outlined above, the variant was classified as uncertain significance.

Labcorp Genetics (formerly Invitae), Labcorp
Classification: Uncertain significance. Last evaluated: 2025-10-23. Review status: criteria provided, single submitter. Criteria: Invitae Variant Classification Sherloc (09022015). Collection method: clinical testing. Allele origin: germline.
Comment: This sequence change replaces glutamine, which is neutral and polar, with glutamic acid, which is acidic and polar, at codon 387 of the CENPF protein (p.Gln387Glu). This variant is present in population databases (rs202217426, gnomAD 0.05%). This variant has not been reported in the literature in individuals affected with CENPF-related conditions. ClinVar contains an entry for this variant (Variation ID: 1219110). An algorithm developed to predict the effect of missense changes on protein structure and function (PolyPhen-2) suggests that this variant is likely to be disruptive. In summary, the available evidence is currently insufficient to determine the role of this variant in disease. Therefore, it has been classified as a Variant of Uncertain Significance.

PreventionGenetics, part of Exact Sciences
Classification: Uncertain significance for CENPF-related condition. Last evaluated: 2025-02-17. Review status: criteria provided, single submitter. Criteria: ACMG Guidelines, 2015. Collection method: clinical testing. Allele origin: germline.
Comment: The CENPF c.1159C>G variant is predicted to result in the amino acid substitution p.Gln387Glu. To our knowledge, this variant has not been reported in the literature. This variant is reported in 0.051% of alleles in individuals of European (Non-Finnish) descent in gnomAD. Although we suspect that this variant may be benign, at this time, the clinical significance of this variant is uncertain due to the absence of conclusive functional and genetic evidence.

Blueprint Genetics
Classification: Uncertain significance. Last evaluated: 2024-11-11. Review status: criteria provided, single submitter. Criteria: ACMG Guidelines, 2015. Collection method: clinical testing. Allele origin: germline.

GeneDx
Classification: Uncertain significance. Last evaluated: 2019-01-17. Review status: criteria provided, single submitter. Criteria: GeneDx Variant Classification Process June 2021. Collection method: clinical testing. Allele origin: germline. Affected: yes.
Comment: In silico analysis, which includes protein predictors and evolutionary conservation, supports that this variant does not alter protein structure/function; Has not been previously published as pathogenic or benign to our knowledge